The following is an entry in ClinVar:

NM_032638.5(GATA2):c.1438G>T (p.Gly480Cys)

Gene: GATA2 (GATA binding protein 2; minus strand). Cytogenetic location: 3q21.3.
Variant type: single nucleotide variant.
Coding change: c.1438G>T on transcript NM_032638.5 (MANE Select); coding-DNA position 1438, G replaced by T.
Protein change: p.Gly480Cys; replaces glycine 480 with cysteine.
Molecular consequence: missense variant.
Genome position (GRCh38, 1-based): chr3:128,481,024, C>A on the plus strand (G>T on the coding strand, the complement: GATA2 is on the minus strand). VCF-style: chr3-128481024-C-A. GRCh37 (hg19) VCF-style: chr3-128199867-C-A.
Other names: c.1438G>T, p.Gly480Cys (NM_001145661.2); c.1396G>T, p.Gly466Cys (NM_001145662.1); short protein forms G466C, G480C.
Identifiers: ClinVar variation 4028505 (VCV004028505.1).

ClinVar aggregate classification (germline): Uncertain significance (1 of 4 stars; one submission).

Conditions:
Inborn genetic diseases. Identifiers: MedGen C0950123, MeSH D030342.

Submission:

Ambry Genetics
Classification: Uncertain significance for Inborn genetic diseases. Last evaluated: 2025-05-17. Review status: criteria provided, single submitter. Criteria: Ambry Variant Classification Scheme 2023. Collection method: clinical testing. Allele origin: germline.
Comment: The p.G480C variant (also known as c.1438G>T), located in coding exon 5 of the GATA2 gene, results from a G to T substitution at nucleotide position 1438. The glycine at codon 480 is replaced by cysteine, an amino acid with highly dissimilar properties. This amino acid position is conserved. In addition, this alteration is predicted to be deleterious by in silico analysis. Based on the available evidence, the clinical significance of this variant remains unclear.